The following is an entry in ClinVar:

NM_001034853.2(RPGR):c.29-15G>A

Gene: RPGR (retinitis pigmentosa GTPase regulator; minus strand). Cytogenetic location: Xp11.4.
Variant type: single nucleotide variant.
Coding change: c.29-15G>A on transcript NM_001034853.2 (MANE Select); 15 bases into the intron before coding-DNA position 29, G replaced by A.
Molecular consequence: intron variant.
Genome position (GRCh38, 1-based): chrX:38,323,539, C>T on the plus strand (G>A on the coding strand, the complement: RPGR is on the minus strand). VCF-style: chrX-38323539-C-T. GRCh37 (hg19) VCF-style: chrX-38182792-C-T.
Other names: c.29-15G>A (NM_001367249.1, NM_001367250.1, NM_001367245.1 and 4 more transcripts); c.59-15G>A (NM_001367248.1).
Identifiers: ClinVar variation 92856 (VCV000092856.23), dbSNP rs6651585, ClinGen allele CA146042.

ClinVar aggregate classification (germline): Benign. Review status: reviewed by expert panel (3 of 4 stars). 9 submissions from 9 submitters: Benign (1). 8 of the submissions do not count toward it. Last evaluated 2026-11-20.

Conditions:
RPGR-related retinopathy. Also called: RPGR retinopathy. Identifiers: MedGen CN305589, MONDO:0100437.
Primary ciliary dyskinesia. Also called: Ciliary dyskinesia. Identifiers: Orphanet 244, MedGen C0008780, MONDO:0016575, HP:0012265.

Allele frequency attached by ClinVar (database versions not stated): gnomAD exomes 0.14232 and 0.21770; ESP Exome Variant Server 0.21044; gnomAD 0.21451 and 0.21985; ExAC 0.22818; TOPMed 0.24347; 1000 Genomes Project 30x 0.36691; 1000 Genomes Project 0.37192.
gnomAD v4.1: 181,073 of 1,202,845 alleles (15%); highest among the groups gnomAD compares: East Asian, 64%; 14,961 homozygotes.

Submissions (9):

ClinGen X-linked Inherited Retinal Disease Variant Curation Expert Panel, ClinGen
Classification: Benign for RPGR-related retinopathy. Last evaluated: 2026-11-20. Review status: reviewed by expert panel. Criteria: ClinGen X LinkedIRD ACMG Specifications RPGR V1.0.0. Collection method: curation. Allele origin: germline. Inheritance: X-linked inheritance.
Comment: The NM_001034853.2(RPGR):c.29-15G>A variant is an intronic variant at intron 1, located 15 nucleotides before exon 2. This variant is present in gnomAD v.4.1.0 at a frequency of 0.2037 among hemizygous individuals, with 14985 variant alleles / 73561 total alleles [found in all subpopulations], which is higher than the ClinGen X-linked IRD VCEP BA1 threshold of >0.00005 (BA1). The splicing impact predictor SpliceAI gives a delta score of 0.00, which is below the ClinGen X-linked IRD VCEP recommended threshold of <0.1 and does not strongly predict an impact on splicing (BP4). In summary, this variant is classified as benign for RPGR-related retinopathy based on the ACMG/AMP criteria applied, as specified by the ClinGen X-linked IRD VCEP: BA1 and BP4 (VCEP specifications version PILOT; date of approval 03/14/2024).

Labcorp Genetics (formerly Invitae), Labcorp
Classification: Benign for Primary ciliary dyskinesia. Last evaluated: 2026-02-04. Review status: criteria provided, single submitter. Criteria: Invitae Variant Classification Sherloc (09022015). Collection method: clinical testing. Allele origin: germline. Not counted in ClinVar's aggregate classification.

Blueprint Genetics
Classification: Benign. Last evaluated: 2024-11-28. Review status: criteria provided, single submitter. Criteria: ACMG Guidelines, 2015. Collection method: clinical testing. Allele origin: germline. Not counted in ClinVar's aggregate classification.

Women's Health and Genetics/Laboratory Corporation of America, LabCorp
Classification: Benign. Last evaluated: 2024-01-11. Review status: criteria provided, single submitter. Criteria: LabCorp Variant Classification Summary - May 2015. Collection method: clinical testing. Allele origin: germline. Not counted in ClinVar's aggregate classification.

GeneDx
Classification: Benign. Last evaluated: 2015-03-03. Review status: criteria provided, single submitter. Criteria: GeneDx Variant Classification Process June 2021. Collection method: clinical testing. Allele origin: germline. Affected: yes. Not counted in ClinVar's aggregate classification.

Laboratory for Molecular Medicine, Mass General Brigham Personalized Medicine
Classification: Benign. Last evaluated: 2015-01-13. Review status: criteria provided, single submitter. Criteria: LMM Criteria. Collection method: clinical testing. Allele origin: germline. Observed: 17 variant alleles. Not counted in ClinVar's aggregate classification.
Comment: c.29-15G>A in intron 1 of RPGR: This variant is not expected to have clinical si gnificance because it has been identified in 39.3% (1508/3833) of African Americ an chromosomes from a broad population by the NHLBI Exome Sequencing Project (dbSNP rs6651585).

Eurofins Ntd Llc (ga)
Classification: Benign. Last evaluated: 2013-07-01. Review status: criteria provided, single submitter. Criteria: EGL Classification Definitions 2015. Collection method: clinical testing. Allele origin: germline. Observed: 3 variant alleles, 1 heterozygote, 1 homozygote, 1 hemizygote. Not counted in ClinVar's aggregate classification.

Breakthrough Genomics
Classification: Benign. Review status: criteria provided, single submitter. Criteria: ACMG Guidelines, 2015. Collection method: not provided. Allele origin: germline. Inheritance: X-linked inheritance. Affected: yes. Not counted in ClinVar's aggregate classification.

PreventionGenetics, part of Exact Sciences
Classification: Benign. Review status: criteria provided, single submitter. Criteria: ACMG Guidelines, 2015. Collection method: clinical testing. Allele origin: germline. Not counted in ClinVar's aggregate classification.